The following is an entry in ClinVar:

ClinVar aggregate classification (germline): Uncertain significance. Review status: criteria provided, single submitter (1 of 4 stars). 2 submissions from 2 submitters: Uncertain significance (1). 1 of the submissions does not count toward it. Last evaluated 2024-10-07.

Conditions:
Polyglandular autoimmune syndrome, type 1 (APS1). Also called: Whitaker syndrome; Autoimmune polyendocrinopathy syndrome , type I, with or without reversible metaphyseal dysplasia; HYPOADRENOCORTICISM WITH HYPOPARATHYROIDISM AND SUPERFICIAL MONILIASIS; Autoimmune polyendocrine syndrome type 1; AUTOIMMUNE POLYENDOCRINE SYNDROME, TYPE I, WITH OR WITHOUT REVERSIBLE METAPHYSEAL DYSPLASIA; PGA I. Identifiers: Orphanet 3453, MedGen C0085859, MONDO:0009411, OMIM 240300.

Allele frequency attached by ClinVar (database versions not stated): gnomAD exomes below 0.00001.
gnomAD v4.1: 1 of 1,612,808 alleles (0.000062%); highest among the groups gnomAD compares: Non-Finnish European, 0.000085%; no homozygotes.

Submissions (2):

Labcorp Genetics (formerly Invitae), Labcorp
Classification: Uncertain significance for Polyglandular autoimmune syndrome, type 1. Last evaluated: 2024-10-07. Review status: criteria provided, single submitter. Criteria: Invitae Variant Classification Sherloc (09022015). Collection method: clinical testing. Allele origin: germline.
Comment: This sequence change replaces lysine, which is basic and polar, with glutamic acid, which is acidic and polar, at codon 243 of the AIRE protein (p.Lys243Glu). This variant is not present in population databases (gnomAD no frequency). This variant has not been reported in the literature in individuals affected with AIRE-related conditions. ClinVar contains an entry for this variant (Variation ID: 1001902). Invitae Evidence Modeling of protein sequence and biophysical properties (such as structural, functional, and spatial information, amino acid conservation, physicochemical variation, residue mobility, and thermodynamic stability) indicates that this missense variant is not expected to disrupt AIRE protein function with a negative predictive value of 95%. In summary, the available evidence is currently insufficient to determine the role of this variant in disease. Therefore, it has been classified as a Variant of Uncertain Significance.

Natera, Inc.
Classification: Uncertain significance for Polyglandular autoimmune syndrome type 1. Last evaluated: 2020-07-07. Review status: no assertion criteria provided. Collection method: clinical testing. Allele origin: germline. Not counted in ClinVar's aggregate classification.

NM_000383.4(AIRE):c.727A>G (p.Lys243Glu)

Gene: AIRE (autoimmune regulator; plus strand). Cytogenetic location: 21q22.3.
Variant type: single nucleotide variant.
Coding change: c.727A>G on transcript NM_000383.4 (MANE Select); coding-DNA position 727, A replaced by G.
Protein change: p.Lys243Glu; replaces lysine 243 with glutamic acid.
Molecular consequence: missense variant.
Genome position (GRCh38, 1-based): chr21:44,289,731, A>G. VCF-style: chr21-44289731-A-G. GRCh37 (hg19) VCF-style: chr21-45709614-A-G.
Other names: short protein forms K243E.
Identifiers: ClinVar variation 1001902 (VCV001001902.11), dbSNP rs2040517102, ClinGen allele CA410424458.
Genomic context (GRCh38, chr21:44,289,731, plus strand): 5'-TGCATCCAGGTTGGCGGGGAGTTCTACACTCCCAGCAAGTTCGAAGACTCCGGCAGTGGG[A>G]AGAACAAGGCCCGCAGCAGCAGTGGCCCGAAGCCTCTGGTTCGAGCCAAGGGAGCCCAGG-3'
Protein context (NP_000374.1, residues 233-253): PSKFEDSGSG[Lys243Glu]NKARSSSGPK